The following is an entry in ClinVar:

NM_001385641.1(SAMD11):c.1393C>G (p.Gln465Glu)

Gene: SAMD11 (sterile alpha motif domain containing 11; plus strand). Cytogenetic location: 1p36.33.
Variant type: single nucleotide variant.
Coding change: c.1393C>G on transcript NM_001385641.1 (MANE Select); coding-DNA position 1393, C replaced by G.
Protein change: p.Gln465Glu; replaces glutamine 465 with glutamic acid.
Molecular consequence: missense variant.
Genome position (GRCh38, 1-based): chr1:942,170, C>G. VCF-style: chr1-942170-C-G. GRCh37 (hg19) VCF-style: chr1-877550-C-G.
Other names: c.1396C>G, p.Gln466Glu (NM_001385640.1); c.904C>G, p.Gln302Glu (NM_152486.4); short protein forms Q302E, Q465E, Q466E.
Identifiers: ClinVar variation 1058613 (VCV001058613.7), dbSNP rs766827157, ClinGen allele CA502883.
Genomic context (GRCh38, chr1:942,170, plus strand): 5'-GCCGCTCATTGCGCTGCCGTCCACAGGGAGCTGCCTCAGCCGCCCCCCTTGCTGTCGCCG[C>G]AGAATGCCCCTCACGTCGCCCTGGGCCCCCATCTCAGGCCCCCCTTCCTGGGGGTGCCCT-3'
Protein context (NP_001372570.1, residues 455-475): LPQPPPLLSP[Gln465Glu]NAPHVALGPH

ClinVar aggregate classification (germline): Uncertain significance (1 of 4 stars; one submission).

Allele frequency attached by ClinVar (database versions not stated): TOPMed 0.00002; ExAC 0.00003.
gnomAD v4.1: 2 of 1,435,804 alleles (0.00014%); highest among the groups gnomAD compares: Non-Finnish European, 0.00018%; no homozygotes.

Submission:

Labcorp Genetics (formerly Invitae), Labcorp
Classification: Uncertain significance. Last evaluated: 2022-03-10. Review status: criteria provided, single submitter. Criteria: Invitae Variant Classification Sherloc (09022015). Collection method: clinical testing. Allele origin: germline.
Comment: In summary, the available evidence is currently insufficient to determine the role of this variant in disease. Therefore, it has been classified as a Variant of Uncertain Significance. Algorithms developed to predict the effect of sequence changes on RNA splicing suggest that this variant may disrupt the consensus splice site. Algorithms developed to predict the effect of missense changes on protein structure and function (SIFT, PolyPhen-2, Align-GVGD) all suggest that this variant is likely to be tolerated. ClinVar contains an entry for this variant (Variation ID: 1058613). This variant has not been reported in the literature in individuals affected with SAMD11-related conditions. The frequency data for this variant in the population databases is considered unreliable, as metrics indicate poor data quality at this position in the gnomAD database. This sequence change replaces glutamine, which is neutral and polar, with glutamic acid, which is acidic and polar, at codon 302 of the SAMD11 protein (p.Gln302Glu).